The following is an entry in ClinVar:

ClinVar aggregate classification (germline): Uncertain significance (1 of 4 stars; one submission).

Submission:

GeneDx
Classification: Uncertain significance. Last evaluated: 2019-09-16. Review status: criteria provided, single submitter. Criteria: GeneDx Variant Classification Process June 2021. Collection method: clinical testing. Allele origin: germline. Affected: yes.
Comment: Has not been previously published as pathogenic or benign to our knowledge; Not observed in large population cohorts (Lek et al., 2016); Occurs in the triple helical domain and is predicted to cause an in-frame deletion of one amino acid at the Y position in the canonical Gly-X-Y repeat; In silico analysis, which includes protein predictors and evolutionary conservation, supports a deleterious effect

NM_000089.4(COL1A2):c.2400_2402del (p.Ser801del)

Gene: COL1A2 (collagen type I alpha 2 chain; plus strand). Cytogenetic location: 7q21.3.
Variant type: Deletion.
Coding change: c.2400_2402del on transcript NM_000089.4 (MANE Select); coding-DNA positions 2400 to 2402, 3 bases deleted (CTC; older notation c.2400_2402delCTC).
Protein change: p.Ser801del; deletes serine 801.
Molecular consequence: inframe deletion.
Genome position (GRCh38, 1-based): chr7:94,421,949-94,421,951, CTC deleted; deleting any 3 consecutive bases within chr7:94,421,948-94,421,951 gives the same sequence; the c. name uses the placement nearest the transcript's 3' end. VCF-style (leftmost placement, unchanged base first): chr7-94421947-CCCT-C. GRCh37 (hg19) VCF-style: chr7-94051259-CCCT-C.
Other names: short protein forms S801del.
Identifiers: ClinVar variation 1308717 (VCV001308717.2), dbSNP rs2115937134, ClinGen allele CA2573052946.